The following is an entry in ClinVar:

ClinVar aggregate classification (germline): Uncertain significance (1 of 4 stars; one submission).

Conditions:
Early-infantile DEE. Also called: Early infantile epileptic encephalopathy with suppression bursts; Ohtahara syndrome; Early infantile epileptic encephalopathy. Identifiers: Orphanet 1934, MedGen C0393706, MONDO:0800491.

Allele frequency attached by ClinVar (database versions not stated): gnomAD exomes below 0.00001; gnomAD 0.00001.
gnomAD v4.1: 3 of 1,610,842 alleles (0.00019%); highest among the groups gnomAD compares: Non-Finnish European, 0.00025%; no homozygotes.

Submission:

Labcorp Genetics (formerly Invitae), Labcorp
Classification: Uncertain significance for Early-infantile DEE. Last evaluated: 2024-03-06. Review status: criteria provided, single submitter. Criteria: Invitae Variant Classification Sherloc (09022015). Collection method: clinical testing. Allele origin: germline.
Comment: This sequence change falls in intron 3 of the GNAO1 gene. It does not directly change the encoded amino acid sequence of the GNAO1 protein. It affects a nucleotide within the consensus splice site. This variant is not present in population databases (gnomAD no frequency). This variant has not been reported in the literature in individuals affected with GNAO1-related conditions. ClinVar contains an entry for this variant (Variation ID: 1004047). Variants that disrupt the consensus splice site are a relatively common cause of aberrant splicing (PMID: 17576681, 9536098). Algorithms developed to predict the effect of sequence changes on RNA splicing suggest that this variant is not likely to affect RNA splicing. In summary, the available evidence is currently insufficient to determine the role of this variant in disease. Therefore, it has been classified as a Variant of Uncertain Significance.

Literature cited by the submitters: PubMed 17576681; PubMed 9536098.

NM_020988.3(GNAO1):c.303+6C>A

Gene: GNAO1 (G protein subunit alpha o1; plus strand). Cytogenetic location: 16q13.
Variant type: single nucleotide variant.
Coding change: c.303+6C>A on transcript NM_020988.3 (MANE Select); 6 bases into the intron after coding-DNA position 303, C replaced by A.
Molecular consequence: intron variant.
Genome position (GRCh38, 1-based): chr16:56,276,078, C>A. VCF-style: chr16-56276078-C-A. GRCh37 (hg19) VCF-style: chr16-56309990-C-A.
Other names: c.303+6C>A (NM_138736.3).
Identifiers: ClinVar variation 1004047 (VCV001004047.7), dbSNP rs1555504237, ClinGen allele CA977623181.